The following is an entry in ClinVar:

NM_001430.5(EPAS1):c.329_332del (p.Phe110fs)

Gene: EPAS1 (endothelial PAS domain protein 1; plus strand). Cytogenetic location: 2p21.
Variant type: Deletion.
Coding change: c.329_332del on transcript NM_001430.5 (MANE Select); coding-DNA positions 329 to 332, 4 bases deleted (TTCT; older notation c.329_332delTTCT).
Protein change: p.Phe110fs; shifts the reading frame from phenylalanine 110.
Molecular consequence: frameshift variant.
Genome position (GRCh38, 1-based): chr2:46,356,262-46,356,265, TTCT deleted; deleting any 4 consecutive bases within chr2:46,356,259-46,356,265 gives the same sequence; the c. name uses the placement nearest the transcript's 3' end. VCF-style (leftmost placement, unchanged base first): chr2-46356258-ATCTT-A. GRCh37 (hg19) VCF-style: chr2-46583397-ATCTT-A.
Other names: short protein forms F110fs.
Identifiers: ClinVar variation 2650872 (VCV002650872.24), dbSNP rs2546450478, ClinGen allele CA2695200663.

ClinVar aggregate classification (germline): Uncertain significance (1 of 4 stars; one submission).

Submission:

CeGaT Center for Human Genetics Tuebingen
Classification: Uncertain significance. Last evaluated: 2022-12-01. Review status: criteria provided, single submitter. Criteria: CeGaT Center For Human Genetics Tuebingen Variant Classification Criteria Version 2. Collection method: clinical testing. Allele origin: germline. Affected: yes. Observed: 1 variant allele.
Comment: EPAS1: PM2